The following is an entry in ClinVar:

ClinVar aggregate classification (germline): Uncertain significance (1 of 4 stars; one submission).

Conditions:
Cardiovascular phenotype. Identifiers: MedGen CN230736.
Hereditary cancer-predisposing syndrome. Also called: Neoplastic Syndromes, Hereditary; Tumor predisposition; Hereditary Cancer Syndrome; Hereditary neoplastic syndrome. Identifiers: Orphanet 140162, MedGen C0027672, MeSH D009386, MONDO:0015356.

Submission:

Ambry Genetics
Classification: Uncertain significance for Cardiovascular phenotype; Hereditary cancer-predisposing syndrome. Last evaluated: 2021-10-26. Review status: criteria provided, single submitter. Criteria: Ambry Variant Classification Scheme 2023. Collection method: clinical testing. Allele origin: germline.
Comment: The c.8314+5G>A intronic variant results from a G to A substitution 5 nucleotides after coding exon 56 in the NF1 gene. This nucleotide position is highly conserved in available vertebrate species. In silico splice site analysis predicts that this alteration will weaken the native splice donor site; however, direct evidence is insufficient at this time (Ambry internal data). Since supporting evidence is limited at this time, the clinical significance of this alteration remains unclear.

NM_001042492.3(NF1):c.8377+5G>A

Gene: NF1 (neurofibromin 1; plus strand). Cytogenetic location: 17q11.2.
Variant type: single nucleotide variant.
Coding change: c.8377+5G>A on transcript NM_001042492.3 (MANE Select); 5 bases into the intron after coding-DNA position 8377, G replaced by A.
Molecular consequence: intron variant.
Genome position (GRCh38, 1-based): chr17:31,360,708, G>A. VCF-style: chr17-31360708-G-A. GRCh37 (hg19) VCF-style: chr17-29687726-G-A.
Other names: c.8314+5G>A (NM_000267.4).
Identifiers: ClinVar variation 1762883 (VCV001762883.2), dbSNP rs2151588324, ClinGen allele CA2580093028.
Genomic context (GRCh38, chr17:31,360,708, plus strand): 5'-CAACCTTAACCTTTCTAATTCCATGACCTCACTTGCAACTTCCCAGCATTCCCCAGGTCA[G>A]TAAATGTGATCTTTATATGACTTTGAGCAACAATATAAGACACCAACATTAGGAATTCCC-3'